The following is an entry in ClinVar:

NM_001382567.1(STIM1):c.1892G>A (p.Ser631Asn)

Genes: STIM1 (stromal interaction molecule 1; plus strand), LOC124418421 (Sharpr-MPRA regulatory region 9588; plus strand). Cytogenetic location: 11p15.4.
Variant type: single nucleotide variant.
Coding change: c.1892G>A on transcript NM_001382567.1 (MANE Select); coding-DNA position 1892, G replaced by A.
Protein change: p.Ser631Asn; replaces serine 631 with asparagine.
Molecular consequence: missense variant. On other transcripts: 3 prime UTR variant (4), non-coding transcript variant (3).
Genome position (GRCh38, 1-based): chr11:4,091,539, G>A. VCF-style: chr11-4091539-G-A. GRCh37 (hg19) VCF-style: chr11-4112769-G-A.
Other names: c.2117G>A, p.Ser706Asn (NM_001277961.3); c.*213G>A (NM_001277962.2, NM_001382578.1, NM_001382579.1 and 1 more transcripts); c.1895G>A, p.Ser632Asn (NM_001382566.1); c.1820G>A, p.Ser607Asn (NM_001382568.1); c.1664G>A, p.Ser555Asn (NM_001382569.1); c.1571G>A, p.Ser524Asn (NM_001382570.1); c.1319G>A, p.Ser440Asn (NM_001382571.1); c.1577G>A, p.Ser526Asn (NM_001382575.1, NM_001382576.1, NM_001382577.1); and 3 more; short protein forms S437N, S440N, S524N, S526N, S555N, S600N, S607N, S631N.
Identifiers: ClinVar variation 1056127 (VCV001056127.10), dbSNP rs376050145, ClinGen allele CA216534086.

ClinVar aggregate classification (germline): Uncertain significance. Review status: criteria provided, multiple submitters, no conflicts (2 of 4 stars). 3 submissions from 3 submitters: Uncertain significance (3). Last evaluated 2025-10-18.

Conditions:
Inborn genetic diseases. Identifiers: MedGen C0950123, MeSH D030342.
STIM1-related disorder. Also called: STIM1-related condition.
Stormorken syndrome (STRMK). Also called: THROMBOCYTOPATHY, ASPLENIA, AND MIOSIS. Identifiers: Orphanet 3204, MedGen C1861451, MONDO:0008497, OMIM 185070.
Myopathy with tubular aggregates (TAM). Also called: Tubular Aggregate Myopathy. Identifiers: Orphanet 2593, MedGen C0410207, MONDO:0008051.
Combined immunodeficiency due to STIM1 deficiency. Also called: STIM1 DEFICIENCY; IMMUNODEFICIENCY 10. Identifiers: Orphanet 169090, Orphanet 317430, MedGen C2748557, MONDO:0013008, OMIM 612783.

Allele frequency attached by ClinVar (database versions not stated): gnomAD 0.00001; gnomAD exomes 0.00001 and below 0.00001.
gnomAD v4.1: 6 of 1,614,180 alleles (0.00037%); highest among the groups gnomAD compares: East Asian, 0.0045%; no homozygotes.

Submissions (3):

Labcorp Genetics (formerly Invitae), Labcorp
Classification: Uncertain significance for Myopathy with tubular aggregates; Combined immunodeficiency due to STIM1 deficiency; Stormorken syndrome. Last evaluated: 2025-10-18. Review status: criteria provided, single submitter. Criteria: Invitae Variant Classification Sherloc (09022015). Collection method: clinical testing. Allele origin: germline.
Comment: This sequence change replaces serine, which is neutral and polar, with asparagine, which is neutral and polar, at codon 600 of the STIM1 protein (p.Ser600Asn). This variant is present in population databases (rs376050145, gnomAD 0.003%). This variant has not been reported in the literature in individuals affected with STIM1-related conditions. ClinVar contains an entry for this variant (Variation ID: 1056127). Invitae Evidence Modeling of protein sequence and biophysical properties (such as structural, functional, and spatial information, amino acid conservation, physicochemical variation, residue mobility, and thermodynamic stability) indicates that this missense variant is not expected to disrupt STIM1 protein function with a negative predictive value of 95%. In summary, the available evidence is currently insufficient to determine the role of this variant in disease. Therefore, it has been classified as a Variant of Uncertain Significance.

PreventionGenetics, part of Exact Sciences
Classification: Uncertain significance for STIM1-related condition. Last evaluated: 2023-05-18. Review status: criteria provided, single submitter. Criteria: ACMG Guidelines, 2015. Collection method: clinical testing. Allele origin: germline.
Comment: The STIM1 c.1799G>A variant is predicted to result in the amino acid substitution p.Ser600Asn. To our knowledge, this variant has not been reported in the literature. This variant is reported in 0.0033% of alleles in individuals of South Asian descent in gnomAD. At this time, the clinical significance of this variant is uncertain due to the absence of conclusive functional and genetic evidence.

Ambry Genetics
Classification: Uncertain significance for Inborn genetic diseases. Last evaluated: 2023-02-15. Review status: criteria provided, single submitter. Criteria: Ambry Variant Classification Scheme 2023. Collection method: clinical testing. Allele origin: germline.